The following is an entry in ClinVar:

ClinVar aggregate classification (germline): Likely pathogenic. Review status: criteria provided, multiple submitters, no conflicts (2 of 4 stars). 3 submissions from 3 submitters: Likely pathogenic (3). Last evaluated 2026-04-30.

Conditions:
Autosomal recessive limb-girdle muscular dystrophy type 2B (LGMDR2). Also called: MUSCULAR DYSTROPHY, LIMB-GIRDLE, TYPE 3; Limb-Girdle Muscular Dystrophy Type 2B (LGMD2B); Limb-girdle muscular dystrophy, type 2B; MUSCULAR DYSTROPHY, LIMB-GIRDLE, AUTOSOMAL RECESSIVE 2. Identifiers: Orphanet 268, MedGen C1850889, MONDO:0009676, OMIM 253601.
Miyoshi muscular dystrophy 1 (MMD1). Identifiers: Orphanet 45448, MedGen C4551973, MONDO:0024545, OMIM 254130.

Allele frequency attached by ClinVar (database versions not stated): TOPMed 0.00001; gnomAD exomes below 0.00001; ExAC 0.00001; gnomAD 0.00001.
gnomAD v4.1: 3 of 1,613,876 alleles (0.00019%); highest among the groups gnomAD compares: Non-Finnish European, 0.00025%; no homozygotes.

Submissions (3):

Women's Health and Genetics/Laboratory Corporation of America, LabCorp
Classification: Likely pathogenic for Autosomal recessive limb-girdle muscular dystrophy type 2B. Last evaluated: 2026-04-30. Review status: criteria provided, single submitter. Criteria: LabCorp Variant Classification Summary - May 2015. Collection method: clinical testing. Allele origin: germline.
Comment: Variant summary: DYSF c.4638+1G>A is located in a canonical splice-site and is predicted to affect mRNA splicing resulting in a significantly altered protein due to either exon skipping, shortening, or inclusion of intronic material. Variants that disrupt the consensus splice site are a relatively common cause of aberrant splicing and loss of DYSF function. Several computational tools predict a significant impact on normal splicing: Four predict the variant abolishes a 5' splicing donor site. However, these predictions have yet to be confirmed by functional studies. The variant allele was found at a frequency of 4e-06 in 251482 control chromosomes. c.4638+1G>A has been observed in at least one individual affected with autosomal recessive limb-girdle muscular dystrophy (Bevilacqua_2024). To our knowledge, no experimental evidence demonstrating an impact on protein function has been reported. The following publication have been ascertained in the context of this evaluation (PMID: 39678382). ClinVar contains an entry for this variant (Variation ID: 2439954). Based on the evidence outlined above, the variant was classified as likely pathogenic.

Baylor Genetics
Classification: Likely pathogenic for Miyoshi muscular dystrophy 1. Last evaluated: 2023-02-16. Review status: criteria provided, single submitter. Criteria: ACMG Guidelines, 2015. Collection method: clinical testing. Allele origin: unknown.

Revvity Omics, Revvity
Classification: Likely pathogenic. Last evaluated: 2022-10-26. Review status: criteria provided, single submitter. Criteria: ACMG Guidelines, 2015. Collection method: clinical testing. Allele origin: germline.

Literature cited by the submitters: PubMed 39678382 (cited by Women's Health and Genetics/Laboratory Corporation of America, LabCorp).

NM_001130987.2(DYSF):c.4755+1G>A

Gene: DYSF (dysferlin; plus strand). Cytogenetic location: 2p13.2.
Variant type: single nucleotide variant.
Coding change: c.4755+1G>A on transcript NM_001130987.2 (MANE Select); the canonical splice donor site of the intron after coding-DNA position 4755, G replaced by A.
Molecular consequence: splice donor variant.
Genome position (GRCh38, 1-based): chr2:71,656,291, G>A. VCF-style: chr2-71656291-G-A. GRCh37 (hg19) VCF-style: chr2-71883421-G-A.
Other names: c.4731+1G>A (NM_001130979.2); c.4752+1G>A (NM_001130981.2); c.4689+1G>A (NM_001130980.2); c.4701+1G>A (NM_001130978.2); c.4638+1G>A (NM_003494.4); c.4659+1G>A (NM_001130977.2); c.4596+1G>A (NM_001130976.2); c.4734+1G>A (NM_001130982.2); and 5 more.
Identifiers: ClinVar variation 2439954 (VCV002439954.5), dbSNP rs754039882, ClinGen allele CA1707118.